The following is an entry in ClinVar:

NC_000002.11:g.(?_148693079)_(148716455_?)dup

Gene: ORC4 (origin recognition complex subunit 4; minus strand). Cytogenetic location: 2q22.3-23.1.
Variant type: Duplication.
Identifiers: ClinVar variation 1374163 (VCV001374163.4).

ClinVar aggregate classification (germline): Uncertain significance (1 of 4 stars; one submission).

Submission:

Labcorp Genetics (formerly Invitae), Labcorp
Classification: Uncertain significance. Last evaluated: 2020-12-31. Review status: criteria provided, single submitter. Criteria: Invitae Variant Classification Sherloc (09022015). Collection method: clinical testing. Allele origin: germline.
Comment: In summary, the available evidence is currently insufficient to determine the role of this variant in disease. Therefore, it has been classified as a Variant of Uncertain Significance. This variant has not been reported in the literature in individuals with ORC4-related conditions. This variant results in a copy number gain of the genomic region encompassing exon(s) 5-14 of the ORC4 gene. The 5' boundary is likely confined to intron 4. The 3' end of this event is unknown as it extends beyond the assayed region for this gene and therefore may encompass additional genes. As the precise location of this event is unknown, it may be in tandem or it may be located elsewhere in the genome.